The following is an entry in ClinVar:

ClinVar aggregate classification (germline): Uncertain significance (1 of 4 stars; one submission).

Conditions:
SIM1-related disorder. Also called: SIM1-related disorders; SIM1-related condition.

Submission:

PreventionGenetics, part of Exact Sciences
Classification: Uncertain significance for SIM1-related condition. Last evaluated: 2026-01-13. Review status: criteria provided, single submitter. Criteria: ACMG Guidelines, 2015. Collection method: clinical testing. Allele origin: germline.
Comment: The SIM1 c.850+5G>C variant is predicted to interfere with splicing. To our knowledge, this variant has not been reported in the literature or in a large population database (gnomAD), indicating this variant is rare. At the time of reporting this variant was not present in ClinVar. At this time, the clinical significance of this variant is uncertain due to the absence of conclusive functional and genetic evidence.

NM_005068.3(SIM1):c.850+5G>C

Gene: SIM1 (SIM bHLH transcription factor 1; minus strand). Cytogenetic location: 6q16.3.
Variant type: single nucleotide variant.
Coding change: c.850+5G>C on transcript NM_005068.3 (MANE Select); 5 bases into the intron after coding-DNA position 850, G replaced by C.
Molecular consequence: intron variant.
Genome position (GRCh38, 1-based): chr6:100,448,141, C>G on the plus strand (G>C on the coding strand, the complement: SIM1 is on the minus strand). VCF-style: chr6-100448141-C-G. GRCh37 (hg19) VCF-style: chr6-100896017-C-G.
Other names: c.850+5G>C (NM_001374769.1).
Identifiers: ClinVar variation 4992916 (VCV004992916.1).